The following is an entry in ClinVar:

ClinVar aggregate classification (germline): Uncertain significance (1 of 4 stars; one submission).

Allele frequency attached by ClinVar (database versions not stated): gnomAD exomes below 0.00001; gnomAD 0.00001.
gnomAD v4.1: 3 of 1,614,088 alleles (0.00019%); highest among the groups gnomAD compares: South Asian, 0.0011%; no homozygotes.

Submission:

Labcorp Genetics (formerly Invitae), Labcorp
Classification: Uncertain significance. Last evaluated: 2022-01-04. Review status: criteria provided, single submitter. Criteria: Invitae Variant Classification Sherloc (09022015). Collection method: clinical testing. Allele origin: germline.
Comment: This variant is not present in population databases (gnomAD no frequency). This sequence change replaces valine, which is neutral and non-polar, with methionine, which is neutral and non-polar, at codon 970 of the TRPM1 protein (p.Val970Met). This variant has not been reported in the literature in individuals affected with TRPM1-related conditions. Algorithms developed to predict the effect of missense changes on protein structure and function are either unavailable or do not agree on the potential impact of this missense change (SIFT: "Deleterious"; PolyPhen-2: "Probably Damaging"; Align-GVGD: "Class C0"). In summary, the available evidence is currently insufficient to determine the role of this variant in disease. Therefore, it has been classified as a Variant of Uncertain Significance.

NM_001252024.2(TRPM1):c.2974G>A (p.Val992Met)

Genes: TRPM1 (transient receptor potential cation channel subfamily M member 1; minus strand), TRPM1-AS1 (TRPM1 antisense RNA 1; plus strand). Cytogenetic location: 15q13.3.
Variant type: single nucleotide variant.
Coding change: c.2974G>A on transcript NM_001252024.2 (MANE Select); coding-DNA position 2974, G replaced by A.
Protein change: p.Val992Met; replaces valine 992 with methionine.
Molecular consequence: missense variant.
Genome position (GRCh38, 1-based): chr15:31,031,136, C>T on the plus strand (G>A on the coding strand, the complement: TRPM1 is on the minus strand). VCF-style: chr15-31031136-C-T. GRCh37 (hg19) VCF-style: chr15-31323339-C-T.
Other names: c.3025G>A, p.Val1009Met (NM_001252020.2); c.2908G>A, p.Val970Met (NM_002420.6); short protein forms V970M, V992M, V1009M.
Identifiers: ClinVar variation 2056770 (VCV002056770.4), dbSNP rs2033051970, ClinGen allele CA391545033.